The following is an entry in ClinVar:

ClinVar aggregate classification (germline): Likely benign (1 of 4 stars; one submission).

Allele frequency attached by ClinVar (database versions not stated): gnomAD exomes below 0.00001; TOPMed below 0.00001; gnomAD 0.00001.
gnomAD v4.1: 3 of 1,542,780 alleles (0.00019%); highest among the groups gnomAD compares: Non-Finnish European, 0.00026%; no homozygotes.

Submission:

CeGaT Center for Human Genetics Tuebingen
Classification: Likely benign. Last evaluated: 2023-08-01. Review status: criteria provided, single submitter. Criteria: CeGaT Center For Human Genetics Tuebingen Variant Classification Criteria Version 2. Collection method: clinical testing. Allele origin: germline. Affected: yes. Observed: 1 variant allele.
Comment: CACNA1A: BP4, BP7

NM_001127222.2(CACNA1A):c.3051G>C (p.Ala1017=)

Gene: CACNA1A (calcium voltage-gated channel subunit alpha1 A; minus strand). Cytogenetic location: 19p13.13.
Variant type: single nucleotide variant.
Coding change: c.3051G>C on transcript NM_001127222.2 (MANE Select); coding-DNA position 3051, G replaced by C.
Protein change: p.Ala1017=; no amino-acid change (alanine 1017 retained).
Molecular consequence: synonymous variant.
Genome position (GRCh38, 1-based): chr19:13,298,582, C>G on the plus strand (G>C on the coding strand, the complement: CACNA1A is on the minus strand). VCF-style: chr19-13298582-C-G. GRCh37 (hg19) VCF-style: chr19-13409396-C-G.
Other names: c.3063G>C, p.Ala1021= (NM_000068.4, NM_023035.3); c.3054G>C, p.Ala1018= (NM_001127221.2, NM_001174080.2).
Identifiers: ClinVar variation 2649387 (VCV002649387.24), dbSNP rs2057719000, ClinGen allele CA505784959.
Genomic context (GRCh38, chr19:13,298,582, plus strand): 5'-ATTCGAGGTCACCTCCACTTACTTCCTCCTCCGATGCCTCCGCTCCTTGTCCTCCCTCCG[C>G]GCGTCCCCCTCGTACGTGGCTGGAGCGCCATGCCGGTGCCTTCTCCTGCGCTCGCCCCCG-3'
Protein context (NP_001120694.1, residues 1007-1027): HGAPATYEGD[Ala1017=]RREDKERRHR